The following is an entry in ClinVar:

ClinVar aggregate classification (germline): Uncertain significance. Review status: criteria provided, multiple submitters, no conflicts (2 of 4 stars). 6 submissions from 6 submitters: Uncertain significance (5). 1 of the submissions does not count toward it. Last evaluated 2025-12-10.

Conditions:
Familial adenomatous polyposis 4 (FAP4). Also called: MSH3-related attenuated familial adenomatous polyposis. Identifiers: Orphanet 480536, MedGen C4310719, MONDO:0044300, OMIM 617100.
Endometrial carcinoma. Also called: Endometrial carcinoma, somatic. Identifiers: MedGen C0476089, MONDO:0002447, OMIM 608089, HP:0012114.
MSH3-related disorder. Also called: MSH3-related condition.
Hereditary cancer-predisposing syndrome. Also called: Tumor predisposition; Hereditary neoplastic syndrome; Neoplastic Syndromes, Hereditary; Hereditary Cancer Syndrome. Identifiers: Orphanet 140162, MedGen C0027672, MeSH D009386, MONDO:0015356.

Allele frequency attached by ClinVar (database versions not stated): gnomAD exomes 0.00001 and 0.00002; ExAC 0.00002; gnomAD 0.00006; TOPMed 0.00007.
gnomAD v4.1: 25 of 1,613,886 alleles (0.0015%); highest among the groups gnomAD compares: African/African-American, 0.027%; no homozygotes.

Submissions (6):

Labcorp Genetics (formerly Invitae), Labcorp
Classification: Uncertain significance. Last evaluated: 2025-12-10. Review status: criteria provided, single submitter. Criteria: Invitae Variant Classification Sherloc (09022015). Collection method: clinical testing. Allele origin: germline.
Comment: This sequence change replaces aspartic acid, which is acidic and polar, with asparagine, which is neutral and polar, at codon 887 of the MSH3 protein (p.Asp887Asn). This variant is present in population databases (rs546532182, gnomAD 0.02%). This missense change has been observed in individual(s) with breast cancer (PMID: 29868112). ClinVar contains an entry for this variant (Variation ID: 666167). An algorithm developed to predict the effect of missense changes on protein structure and function outputs the following: PolyPhen-2: "Benign". The asparagine amino acid residue is found in multiple mammalian species, which suggests that this missense change does not adversely affect protein function. In summary, the available evidence is currently insufficient to determine the role of this variant in disease. Therefore, it has been classified as a Variant of Uncertain Significance.

Quest Diagnostics Nichols Institute San Juan Capistrano
Classification: Uncertain significance. Last evaluated: 2025-06-24. Review status: criteria provided, single submitter. Criteria: Quest Diagnostics criteria. Collection method: clinical testing. Allele origin: unknown.
Comment: The MSH3 c.2659G>A (p.Asp887Asn) variant has been reported in the published literature in individuals affected with breast cancer (PMID: 29868112 (2018)) and a myeloproliferative neoplasm (PMID: 36031433 (2023)). It was also detected in a colorectal tumor (PMID: 29245953 (2017)). The frequency of this variant in the general population (Genome Aggregation Database) is uninformative in the assessment of its pathogenicity. Analysis of this variant using a bioinformatics tool for the prediction of the effect of amino acid changes on protein structure and function yielded benign findings. Based on the available information, we are unable to determine the clinical significance of this variant.

Ambry Genetics
Classification: Uncertain significance for Hereditary cancer-predisposing syndrome. Last evaluated: 2024-06-21. Review status: criteria provided, single submitter. Criteria: Ambry Variant Classification Scheme 2023. Collection method: clinical testing. Allele origin: germline.
Comment: The p.D887N variant (also known as c.2659G>A), located in coding exon 20 of the MSH3 gene, results from a G to A substitution at nucleotide position 2659. The aspartic acid at codon 887 is replaced by asparagine, an amino acid with highly similar properties. This alteration was identified in an individual diagnosed with breast cancer (Torrezan GT et al. Front Genet, 2018 May;9:161). This amino acid position is well conserved in available vertebrate species. In addition, this alteration is predicted to be tolerated by in silico analysis. Since supporting evidence is limited at this time, the clinical significance of this alteration remains unclear.

Fulgent Genetics
Classification: Uncertain significance for Endometrial carcinoma; Familial adenomatous polyposis 4. Last evaluated: 2024-02-28. Review status: criteria provided, single submitter. Criteria: ACMG Guidelines, 2015. Collection method: clinical testing. Allele origin: germline.

Baylor Genetics
Classification: Uncertain significance for Endometrial carcinoma. Last evaluated: 2023-11-16. Review status: criteria provided, single submitter. Criteria: ACMG Guidelines, 2015. Collection method: clinical testing. Allele origin: unknown.

PreventionGenetics, part of Exact Sciences
Classification: Uncertain significance for MSH3-related condition. Last evaluated: 2024-09-09. Review status: no assertion criteria provided. Collection method: clinical testing. Allele origin: germline. Not counted in ClinVar's aggregate classification.
Comment: The MSH3 c.2659G>A variant is predicted to result in the amino acid substitution p.Asp887Asn. This variant has been reported in an individual with breast cancer (Torrezan et al. 2018. PubMed ID: 29868112). This variant is reported in 0.020% of alleles in individuals of African descent in gnomAD. This variant is classified as uncertain significance in ClinVar. At this time, the clinical significance of this variant is uncertain due to the absence of conclusive functional and genetic evidence.

Literature cited by the submitters: PubMed 29868112 (cited by 3 submitters); PubMed 29245953 (cited by Quest Diagnostics Nichols Institute San Juan Capistrano); PubMed 36031433 (cited by Quest Diagnostics Nichols Institute San Juan Capistrano).

NM_002439.5(MSH3):c.2659G>A (p.Asp887Asn)

Gene: MSH3 (mutS homolog 3; plus strand). Cytogenetic location: 5q14.1.
Variant type: single nucleotide variant.
Coding change: c.2659G>A on transcript NM_002439.5 (MANE Select); coding-DNA position 2659, G replaced by A.
Protein change: p.Asp887Asn; replaces aspartic acid 887 with asparagine.
Molecular consequence: missense variant.
Genome position (GRCh38, 1-based): chr5:80,813,587, G>A. VCF-style: chr5-80813587-G-A. GRCh37 (hg19) VCF-style: chr5-80109406-G-A.
Other names: short protein forms D887N.
Identifiers: ClinVar variation 666167 (VCV000666167.16), dbSNP rs546532182, ClinGen allele CA3328323.